The following is an entry in ClinVar:

NM_000092.5(COL4A4):c.4385A>G (p.Tyr1462Cys)

Gene: COL4A4 (collagen type IV alpha 4 chain; minus strand). Cytogenetic location: 2q36.3.
Variant type: single nucleotide variant.
Coding change: c.4385A>G on transcript NM_000092.5 (MANE Select); coding-DNA position 4385, A replaced by G.
Protein change: p.Tyr1462Cys; replaces tyrosine 1462 with cysteine.
Molecular consequence: missense variant.
Genome position (GRCh38, 1-based): chr2:227,010,450, T>C on the plus strand (A>G on the coding strand, the complement: COL4A4 is on the minus strand). VCF-style: chr2-227010450-T-C. GRCh37 (hg19) VCF-style: chr2-227875166-T-C.
Other names: short protein forms Y1462C.
Identifiers: ClinVar variation 3372371 (VCV003372371.1).

ClinVar aggregate classification (germline): Uncertain significance (1 of 4 stars; one submission).

gnomAD v4.1: 1 of 1,612,532 alleles (0.000062%); highest among the groups gnomAD compares: Non-Finnish European, 0.000085%; no homozygotes.

Submission:

GeneDx
Classification: Uncertain significance. Last evaluated: 2024-04-15. Review status: criteria provided, single submitter. Criteria: GeneDx Variant Classification Process June 2021. Collection method: clinical testing. Allele origin: germline. Affected: yes.
Comment: Not observed at significant frequency in large population cohorts (gnomAD); In silico analysis supports that this missense variant has a deleterious effect on protein structure/function; Has not been previously published as pathogenic or benign to our knowledge